The following is an entry in ClinVar:

NM_001166114.2(PNPLA6):c.1331C>A (p.Ala444Asp)

Gene: PNPLA6 (patatin like domain 6, lysophospholipase; plus strand). Cytogenetic location: 19p13.2.
Variant type: single nucleotide variant.
Coding change: c.1331C>A on transcript NM_001166114.2 (MANE Select); coding-DNA position 1331, C replaced by A.
Protein change: p.Ala444Asp; replaces alanine 444 with aspartic acid.
Molecular consequence: missense variant.
Genome position (GRCh38, 1-based): chr19:7,542,639, C>A. VCF-style: chr19-7542639-C-A. GRCh37 (hg19) VCF-style: chr19-7607525-C-A.
Other names: c.1358C>A, p.Ala453Asp (NM_001166111.2); c.1214C>A, p.Ala405Asp (NM_001166112.2, NM_001166113.1, NM_006702.5); short protein forms A444D, A405D, A453D.
Identifiers: ClinVar variation 655050 (VCV000655050.12), dbSNP rs1599277847, ClinGen allele CA403111921.
Genomic context (GRCh38, chr19:7,542,639, plus strand): 5'-GCTCCGACTTCGACATGGCCTATGAGCGTGGCCGGATCTCCGTGTCCCTGCAGGAAGAGG[C>A]CTCCGGGGGGTCCCTGGCAGCCCCCGCTCGGGTAAGGCTTGGGACCCTGCCCGGTGGTGG-3'
Protein context (NP_001159586.1, residues 434-454): GRISVSLQEE[Ala444Asp]SGGSLAAPAR

ClinVar aggregate classification (germline): Uncertain significance. Review status: criteria provided, multiple submitters, no conflicts (2 of 4 stars). 2 submissions from 2 submitters: Uncertain significance (2). Last evaluated 2026-03-01.

Conditions:
Hereditary spastic paraplegia 39 (SPG39). Also called: SPASTIC PARAPLEGIA 39, AUTOSOMAL RECESSIVE; Spastic Paraplegia Type 39 (SPG39). Identifiers: Orphanet 139480, MedGen C2677586, MONDO:0012787, OMIM 612020.

Allele frequency attached by ClinVar (database versions not stated): gnomAD exomes below 0.00001.
gnomAD v4.1: 1 of 1,613,410 alleles (0.000062%); highest among the groups gnomAD compares: Non-Finnish European, 0.000085%; no homozygotes.

Submissions (2):

CeGaT Center for Human Genetics Tuebingen
Classification: Uncertain significance. Last evaluated: 2026-03-01. Review status: criteria provided, single submitter. Criteria: CeGaT Center For Human Genetics Tuebingen Variant Classification Criteria Version 2. Collection method: clinical testing. Allele origin: germline. Affected: yes. Observed: 1 variant allele.
Comment: PNPLA6: PM2

Labcorp Genetics (formerly Invitae), Labcorp
Classification: Uncertain significance for Hereditary spastic paraplegia 39. Last evaluated: 2020-01-24. Review status: criteria provided, single submitter. Criteria: Invitae Variant Classification Sherloc (09022015). Collection method: clinical testing. Allele origin: germline.
Comment: Algorithms developed to predict the effect of missense changes on protein structure and function (SIFT, PolyPhen-2, Align-GVGD) all suggest that this variant is likely to be tolerated, but these predictions have not been confirmed by published functional studies and their clinical significance is uncertain. This variant has not been reported in the literature in individuals with PNPLA6-related disease. This variant is not present in population databases (ExAC no frequency). This sequence change replaces alanine with aspartic acid at codon 405 of the PNPLA6 protein (p.Ala405Asp). The alanine residue is moderately conserved and there is a moderate physicochemical difference between alanine and aspartic acid. In summary, the available evidence is currently insufficient to determine the role of this variant in disease. Therefore, it has been classified as a Variant of Uncertain Significance.